The following is an entry in ClinVar:

ClinVar aggregate classification (germline): Uncertain significance (1 of 4 stars; one submission).

Submission:

Labcorp Genetics (formerly Invitae), Labcorp
Classification: Uncertain significance. Last evaluated: 2025-10-28. Review status: criteria provided, single submitter. Criteria: Invitae Variant Classification Sherloc (09022015). Collection method: clinical testing. Allele origin: germline.
Comment: This sequence change replaces leucine, which is neutral and non-polar, with proline, which is neutral and non-polar, at codon 357 of the LRP5 protein (p.Leu357Pro). This variant is not present in population databases (gnomAD no frequency). This variant has not been reported in the literature in individuals affected with LRP5-related conditions. Invitae Evidence Modeling of protein sequence and biophysical properties (such as structural, functional, and spatial information, amino acid conservation, physicochemical variation, residue mobility, and thermodynamic stability) has been performed for this missense variant. However, the output from this modeling did not meet the statistical confidence thresholds required to predict the impact of this variant on LRP5 protein function. In summary, the available evidence is currently insufficient to determine the role of this variant in disease. Therefore, it has been classified as a Variant of Uncertain Significance.

NM_002335.4(LRP5):c.1070T>C (p.Leu357Pro)

Gene: LRP5 (LDL receptor related protein 5; plus strand). Cytogenetic location: 11q13.2.
Variant type: single nucleotide variant.
Coding change: c.1070T>C on transcript NM_002335.4 (MANE Select); coding-DNA position 1070, T replaced by C.
Protein change: p.Leu357Pro; replaces leucine 357 with proline.
Molecular consequence: missense variant. On other transcripts: 5 prime UTR variant (1).
Genome position (GRCh38, 1-based): chr11:68,386,370, T>C. VCF-style: chr11-68386370-T-C. GRCh37 (hg19) VCF-style: chr11-68153838-T-C.
Other names: c.-696T>C (NM_001291902.2); short protein forms L357P.
Identifiers: ClinVar variation 4800450 (VCV004800450.1).